The following is an entry in ClinVar:

NM_000503.6(EYA1):c.*784T>C

Gene: EYA1 (EYA transcriptional coactivator and phosphatase 1; minus strand). Cytogenetic location: 8q13.3.
Variant type: single nucleotide variant.
Coding change: c.*784T>C on transcript NM_000503.6 (MANE Select); 784 bases downstream of the stop codon, T replaced by C.
Molecular consequence: 3 prime UTR variant.
Genome position (GRCh38, 1-based): chr8:71,198,556, A>G on the plus strand (T>C on the coding strand, the complement: EYA1 is on the minus strand). VCF-style: chr8-71198556-A-G. GRCh37 (hg19) VCF-style: chr8-72110791-A-G.
Other names: c.*784T>C (NM_001288574.2, NM_001288575.2, NM_001370333.1 and 5 more transcripts).
Identifiers: ClinVar variation 363637 (VCV000363637.5), dbSNP rs77243350, ClinGen allele CA10631547.

ClinVar aggregate classification (germline): Benign. Review status: criteria provided, single submitter (1 of 4 stars). 2 submissions from 1 submitter: Benign (2). Last evaluated 2018-01-12.

Conditions:
Branchiootic syndrome 1 (BOS1). Also called: BO SYNDROME 1; BRANCHIOOTIC DYSPLASIA. Identifiers: MedGen C1865143, MONDO:0011258, OMIM 602588.
Otofaciocervical syndrome 1 (OTFCS). Identifiers: MedGen C3714941, MONDO:0024532, OMIM 166780.

Allele frequency attached by ClinVar (database versions not stated): gnomAD 0.00295 and 0.00322; 1000 Genomes Project 30x 0.00344; TOPMed 0.00344; 1000 Genomes Project 0.00399.

Submissions (2):

Illumina Laboratory Services, Illumina
Classification: Benign for Otofaciocervical syndrome 1. Last evaluated: 2018-01-12. Review status: criteria provided, single submitter. Criteria: ICSL Variant Classification Criteria 13 December 2019. Collection method: clinical testing. Allele origin: germline.
Comment: This variant was observed in the ICSL laboratory as part of a predisposition screen in an ostensibly healthy population. It had not been previously curated by ICSL or reported in the Human Gene Mutation Database (HGMD: prior to June 1st, 2018), and was therefore a candidate for classification through an automated scoring system. Utilizing variant allele frequency, disease prevalence and penetrance estimates, and inheritance mode, an automated score was calculated to assess if this variant is too frequent to cause the disease. Based on the score and internal cut-off values, a variant classified as benign is not then subjected to further curation. The score for this variant resulted in a classification of benign for this disease.

Illumina Laboratory Services, Illumina
Classification: Benign for Branchiootic syndrome. Last evaluated: 2018-01-12. Review status: criteria provided, single submitter. Criteria: ICSL Variant Classification Criteria 13 December 2019. Collection method: clinical testing. Allele origin: germline.
Comment: the same text as in the submission from Illumina Laboratory Services, Illumina above.